The following is an entry in ClinVar:

ClinVar aggregate classification (germline): Benign/Likely benign. Review status: criteria provided, multiple submitters, no conflicts (2 of 4 stars). 2 submissions from 2 submitters: Benign (1); Likely benign (1). Last evaluated 2024-07-26.

Conditions:
Familial cancer of breast. Also called: Hereditary breast cancer; hereditary breast carcinoma; BREAST CANCER, FAMILIAL. Identifiers: Orphanet 227535, MedGen C0346153, MONDO:0016419, OMIM 114480. Disease mechanism: loss of function.

Submissions (2):

Myriad Genetics, Inc.
Classification: Benign for Familial cancer of breast. Last evaluated: 2024-07-26. Review status: criteria provided, single submitter. Criteria: Myriad Autosomal Dominant, Autosomal Recessive and X-Linked Classification Criteria (2023). Collection method: clinical testing. Allele origin: unknown.
Comment: This variant is considered benign. This variant is a silent/synonymous amino acid change and it is not expected to impact splicing.

Labcorp Genetics (formerly Invitae), Labcorp
Classification: Likely benign for Familial cancer of breast. Last evaluated: 2023-07-03. Review status: criteria provided, single submitter. Criteria: Invitae Variant Classification Sherloc (09022015). Collection method: clinical testing. Allele origin: germline.

NM_000465.4(BARD1):c.1582C>T (p.Leu528=)

Gene: BARD1 (BRCA1 associated RING domain 1; minus strand). Cytogenetic location: 2q35.
Variant type: single nucleotide variant.
Coding change: c.1582C>T on transcript NM_000465.4 (MANE Select); coding-DNA position 1582, C replaced by T.
Protein change: p.Leu528=; no amino-acid change (leucine 528 retained).
Molecular consequence: synonymous variant. On other transcripts: non-coding transcript variant (3), intron variant (1).
Genome position (GRCh38, 1-based): chr2:214,752,542, G>A on the plus strand (C>T on the coding strand, the complement: BARD1 is on the minus strand). VCF-style: chr2-214752542-G-A. GRCh37 (hg19) VCF-style: chr2-215617266-G-A.
Other names: c.1525C>T, p.Leu509= (NM_001282543.2); c.229C>T, p.Leu77= (NM_001282545.2); c.172C>T, p.Leu58= (NM_001282548.2); c.365-22034C>T (NM_001282549.2).
Identifiers: ClinVar variation 1141817 (VCV001141817.11), dbSNP rs1693508020, ClinGen allele CA431147998.
Genomic context (GRCh38, chr2:214,752,542, plus strand): 5'-TCTCTGGTAGCAGCAATAGCGATTTCATACTTTCATCATCTGTATAATCGACAGGCCGCA[G>A]ACCAAATATATTACTGGTAAAATAAGTGCAGATGTGTTTAAGTAAGTCAAATGTGTGACT-3'
Protein context (NP_000456.2, residues 518-538): ASRNAVNIFG[Leu528=]RPVDYTDDES